The following is an entry in ClinVar:

NM_006341.4(MAD2L2):c.553C>T (p.Arg185Trp)

Gene: MAD2L2 (mitotic arrest deficient 2 like 2; minus strand). Cytogenetic location: 1p36.22.
Variant type: single nucleotide variant.
Coding change: c.553C>T on transcript NM_006341.4 (MANE Select); coding-DNA position 553, C replaced by T.
Protein change: p.Arg185Trp; replaces arginine 185 with tryptophan.
Molecular consequence: missense variant.
Genome position (GRCh38, 1-based): chr1:11,675,123, G>A on the plus strand (C>T on the coding strand, the complement: MAD2L2 is on the minus strand). VCF-style: chr1-11675123-G-A. GRCh37 (hg19) VCF-style: chr1-11735180-G-A.
Other names: c.553C>T, p.Arg185Trp (NM_001127325.2); c.553C>T (NM_001127325.1); short protein forms R185W.
Identifiers: ClinVar variation 2869063 (VCV002869063.4), dbSNP rs779016176, ClinGen allele CA593654.

ClinVar aggregate classification (germline): Uncertain significance. Review status: criteria provided, multiple submitters, no conflicts (2 of 4 stars). 2 submissions from 2 submitters: Uncertain significance (2). Last evaluated 2025-05-04.

Allele frequency attached by ClinVar (database versions not stated): TOPMed 0.00003; gnomAD 0.00001; ExAC 0.00003.
gnomAD v4.1: 43 of 1,603,388 alleles (0.0027%); highest among the groups gnomAD compares: Non-Finnish European, 0.0033%; no homozygotes.

Submissions (2):

Ambry Genetics
Classification: Uncertain significance. Last evaluated: 2025-05-04. Review status: criteria provided, single submitter. Criteria: Ambry Variant Classification Scheme 2023. Collection method: clinical testing. Allele origin: germline.

Labcorp Genetics (formerly Invitae), Labcorp
Classification: Uncertain significance. Last evaluated: 2025-03-07. Review status: criteria provided, single submitter. Criteria: Invitae Variant Classification Sherloc (09022015). Collection method: clinical testing. Allele origin: germline.
Comment: This sequence change replaces arginine, which is basic and polar, with tryptophan, which is neutral and slightly polar, at codon 185 of the MAD2L2 protein (p.Arg185Trp). This variant is present in population databases (rs779016176, gnomAD 0.005%). This variant has not been reported in the literature in individuals affected with MAD2L2-related conditions. ClinVar contains an entry for this variant (Variation ID: 2869063). An algorithm developed to predict the effect of missense changes on protein structure and function (PolyPhen-2) suggests that this variant is likely to be disruptive. In summary, the available evidence is currently insufficient to determine the role of this variant in disease. Therefore, it has been classified as a Variant of Uncertain Significance.